The following is an entry in ClinVar:

NM_000443.4(ABCB4):c.2108T>G (p.Leu703Arg)

Gene: ABCB4 (ATP binding cassette subfamily B member 4; minus strand). Cytogenetic location: 7q21.12.
Variant type: single nucleotide variant.
Coding change: c.2108T>G on transcript NM_000443.4 (MANE Select); coding-DNA position 2108, T replaced by G.
Protein change: p.Leu703Arg; replaces leucine 703 with arginine.
Molecular consequence: missense variant.
Genome position (GRCh38, 1-based): chr7:87,424,009, A>C on the plus strand (T>G on the coding strand, the complement: ABCB4 is on the minus strand). VCF-style: chr7-87424009-A-C. GRCh37 (hg19) VCF-style: chr7-87053325-A-C.
Other names: c.2108T>G, p.Leu703Arg (NM_018849.3, NM_018850.3); short protein forms L703R.
Identifiers: ClinVar variation 4846546 (VCV004846546.1).

ClinVar aggregate classification (germline): Uncertain significance (1 of 4 stars; one submission).

Conditions:
Familial intrahepatic cholestasis. Identifiers: Orphanet 284385, MedGen CN296401, MONDO:0017290.
Low phospholipid associated cholelithiasis (GBD1). Also called: Gallbladder disease 1; Gallstone cholecystitis. Identifiers: Orphanet 69663, MedGen C2609268, MONDO:0010939, OMIM 600803.

Submission:

Genomenon, Inc
Classification: Uncertain significance for Familial intrahepatic cholestasis; Low phospholipid associated cholelithiasis. Last evaluated: 2026-04-14. Review status: criteria provided, single submitter. Criteria: Genomenon Sequence Variant Interpretation Standards - Updated. Collection method: curation. Allele origin: germline. Affected: no.
Comment: ABCB4 p.Leu703Arg (c.2108T>G) is a missense variant that changes the amino acid at residue 703 from Leucine to Arginine. This variant has been reported in the published literature (PMID:20494111). It is absent or not present at a significant frequency in gnomAD. In silico models predict that this variant is possibly or probably damaging. In conclusion, we classify ABCB4 p.Leu703Arg (c.2108T>G) as a variant of uncertain significance.

Literature cited by the submitters: PubMed 20494111.